The following is an entry in ClinVar:

NM_001319074.4(RAX2):c.-50dup

Gene: RAX2 (retina and anterior neural fold homeobox 2; minus strand). Cytogenetic location: 19p13.3.
Variant type: Duplication.
Coding change: c.-50dup on transcript NM_001319074.4 (MANE Select); 50 bases upstream of the start codon, one base duplicated (C; older notation c.-50dupC).
Molecular consequence: 5 prime UTR variant. On other transcripts: intron variant (1).
Genome position (GRCh38, 1-based): chr19:3,771,792, G duplicated on the plus strand (C on the coding strand, the reverse complement: RAX2 is on the minus strand); the first of 7 consecutive G bases (chr19:3,771,792-3,771,798); duplicating any one gives the same sequence. VCF-style (leftmost placement, unchanged base first): chr19-3771791-T-TG. GRCh37 (hg19) VCF-style: chr19-3771789-T-TG.
Other names: c.-9-47dup (NM_032753.4); c.89dupC (NM_001319074.1).
Identifiers: ClinVar variation 4939922 (VCV004939922.2), dbSNP rs559035106.

ClinVar aggregate classification (germline): Likely benign. Review status: criteria provided, multiple submitters, no conflicts (2 of 4 stars). 2 submissions from 2 submitters: Likely benign (2). Last evaluated 2024-11-26.

Conditions:
RAX2-related disorder. Also called: RAX2-related condition; RAX2-related disorders.

Submissions (2):

Blueprint Genetics
Classification: Likely benign. Last evaluated: 2024-11-26. Review status: criteria provided, single submitter. Criteria: ACMG Guidelines, 2015. Collection method: clinical testing. Allele origin: germline.

PreventionGenetics, part of Exact Sciences
Classification: Likely benign for RAX2-related condition. Last evaluated: 2024-10-15. Review status: criteria provided, single submitter. Criteria: ACMG Guidelines, 2015. Collection method: clinical testing. Allele origin: germline.
Comment: This variant is classified as likely benign based on ACMG/AMP sequence variant interpretation guidelines (Richards et al. 2015 PMID: 25741868, with internal and published modifications).